The following is an entry in ClinVar:

NM_002976.4(SCN7A):c.4242G>A (p.Val1414=)

Gene: SCN7A (sodium voltage-gated channel alpha subunit 7; minus strand). Cytogenetic location: 2q24.3.
Variant type: single nucleotide variant.
Coding change: c.4242G>A on transcript NM_002976.4 (MANE Select); coding-DNA position 4242, G replaced by A.
Protein change: p.Val1414=; no amino-acid change (valine 1414 retained).
Molecular consequence: synonymous variant. On other transcripts: non-coding transcript variant (1).
Genome position (GRCh38, 1-based): chr2:166,406,387, C>T on the plus strand (G>A on the coding strand, the complement: SCN7A is on the minus strand). VCF-style: chr2-166406387-C-T. GRCh37 (hg19) VCF-style: chr2-167262897-C-T.
Identifiers: ClinVar variation 737372 (VCV000737372.6), dbSNP rs183936075, ClinGen allele CA1945082.

ClinVar aggregate classification (germline): Benign. Review status: criteria provided, single submitter (1 of 4 stars). 2 submissions from 2 submitters: Benign (1). 1 of the submissions does not count toward it. Last evaluated 2019-12-31.

Conditions:
SCN7A-related disorder. Also called: SCN7A-related condition.

Allele frequency attached by ClinVar (database versions not stated): TOPMed 0.00417; gnomAD exomes 0.00092; ExAC 0.00101; 1000 Genomes Project 0.00319; 1000 Genomes Project 30x 0.00344; ESP Exome Variant Server 0.00354; gnomAD 0.00370 and 0.00404.
gnomAD v4.1: 1,098 of 1,612,998 alleles (0.068%); highest among the groups gnomAD compares: African/African-American, 1.3%; 8 homozygotes.

Submissions (2):

Labcorp Genetics (formerly Invitae), Labcorp
Classification: Benign. Last evaluated: 2019-12-31. Review status: criteria provided, single submitter. Criteria: Invitae Variant Classification Sherloc (09022015). Collection method: clinical testing. Allele origin: germline.

PreventionGenetics, part of Exact Sciences
Classification: Benign for SCN7A-related condition. Last evaluated: 2019-04-02. Review status: no assertion criteria provided. Collection method: clinical testing. Allele origin: germline. Not counted in ClinVar's aggregate classification.
Comment: This variant is classified as benign based on ACMG/AMP sequence variant interpretation guidelines (Richards et al. 2015 PMID: 25741868, with internal and published modifications).